The following is an entry in ClinVar:

ClinVar aggregate classification (germline): Conflicting classifications of pathogenicity. Review status: criteria provided, conflicting classifications (1 of 4 stars). 4 submissions from 4 submitters: Pathogenic (1); Uncertain significance (3). Last evaluated 2024-09-02.

Conditions:
Autism, susceptiblity to. Also called: Austism, susceptibility to. Identifiers: MedGen CN301178, MONDO:0020836.
Kleefstra syndrome 2 (KLEFS2). Identifiers: MedGen C4540395, MONDO:0054701, OMIM 617768.

Submissions (4):

3billion
Classification: Uncertain significance for Kleefstra syndrome 2. Last evaluated: 2024-09-02. Review status: criteria provided, single submitter. Criteria: ACMG Guidelines, 2015. Collection method: clinical testing. Allele origin: germline. Affected: yes.
Comment: The variant is not observed in the gnomAD v4.0.0 dataset. Predicted Consequence/Location: The majority of the known disease-causing variants of this gene are variants expected to result in premature termination of the protein. In silico tools predict the variant to alter splicing and produce an abnormal transcript [SpliceAI: 0.2 (spliceogenicity >=0.2, non-spliceogenicity <0.1)]. The same nucleotide change resulting in the same amino acid change has been previously reported to be associated with KMT2C-related disorder (ClinVar ID: VCV001192208). However, the evidence of pathogenicity is insufficient at this time. Therefore, this variant is classified as VUS according to the recommendation of ACMG/AMP guideline.

Neuberg Centre For Genomic Medicine, NCGM
Classification: Uncertain significance for Kleefstra syndrome 2. Last evaluated: 2023-07-22. Review status: criteria provided, single submitter. Criteria: ACMG Guidelines, 2015. Collection method: clinical testing. Allele origin: germline. Inheritance: Autosomal dominant inheritance. Affected: yes.
Comment: The observed missense variant c.2573G>Tp.Trp858Leu in KMT2C gene has been reported in the literature in multiple exome sequencing studies, and was found in individuals affected with varying phenotypes, including autism spectrum disorder ASD, congenital insensitivity to pain with anhidrosis CIPA and seizures, cortical blindness, and microcephaly syndrome SCBMS. However several other variants, including other KMT2C variants were also found in these patients García-Ortiz JE, et al., 2020,López-Cortés A, et al., 2020. Hence, these reports do not provide unequivocal conclusions about association of the variant with disease. The p.Trp858Leu variant is absent in gnomAD Exomes. This variant has been reported to the ClinVar database as UncertainsSignificance / Pathogneic. Computational evidence SIFT-Tolerated and Mutation Taster-disease causing predicts conflicting evidence on protein structure and function for this variant.The amino acid Trp at position 858 is changed to a Leu changing protein sequence and it might alter its composition and physico-chemical properties. The reference amino acid p.Trp858Leu in KMT2C is predicted as conserved by GERP++ and PhyloP across 100 vertebrates. For these reasons, this variant has been classified as Uncertain Significance.

Qatar Biomedical Research Institute, Hamad Bin Khalifa University
Classification: Pathogenic for Autism, susceptiblity to. Last evaluated: 2023-07-05. Review status: criteria provided, single submitter. Criteria: ACMG Guidelines, 2015. Collection method: research. Allele origin: de novo. Inheritance: Autosomal dominant inheritance. Affected: yes. Observed: 1 heterozygote.
Comment: This variant was not found in large sequencing databases and with 0.0001% frequency in Qatar population database. ACMG interpretation as PS2, PS4, PM2, PP2, PP3 indicated it as pathogenic variant. In summary, the p.W858L variant in KMT2C meets our criteria to be classified as pathogenic due to being de novo, absence from controls, high CADD score and ACMG interpretation.

Women's Health and Genetics/Laboratory Corporation of America, LabCorp
Classification: Uncertain significance. Last evaluated: 2021-07-23. Review status: criteria provided, single submitter. Criteria: LabCorp Variant Classification Summary - May 2015. Collection method: clinical testing. Allele origin: germline.
Comment: Variant summary: KMT2C c.2573G>T (p.Trp858Leu) results in a non-conservative amino acid change in the encoded protein sequence. Five of five in-silico tools predict a damaging effect of the variant on protein function. The variant was absent in 247282 control chromosomes (gnomAD). The available data on variant occurrences in the general population are insufficient to allow any conclusion about variant significance. The variant, c.2573G>T, has been reported in the literature in multiple exome sequencing studies, and was found in individuals affected with varying phenotypes, including autism spectrum disorder (ASD), congenital insensitivity to pain with anhidrosis (CIPA) and seizures, cortical blindness, and microcephaly syndrome (SCBMS), however several other variants, including other KMT2C variants were also found in these patients (Garcia-Ortiz_2020, Lopez-Cortes_2020, Kaustio_2021). These reports do not provide unequivocal conclusions about association of the variant with disease. To our knowledge, no experimental evidence demonstrating an impact on protein function has been reported. No clinical diagnostic laboratories have submitted clinical-significance assessments for this variant to ClinVar after 2014. Based on the evidence outlined above, the variant was classified as uncertain significance.

Literature cited by the submitters: PubMed 30826922 (cited by Women's Health and Genetics/Laboratory Corporation of America, LabCorp); PubMed 33662367 (cited by Women's Health and Genetics/Laboratory Corporation of America, LabCorp); PubMed 32807182 (cited by Women's Health and Genetics/Laboratory Corporation of America, LabCorp).

NM_170606.3(KMT2C):c.2573G>T (p.Trp858Leu)

Gene: KMT2C (lysine methyltransferase 2C; minus strand). Cytogenetic location: 7q36.1.
Variant type: single nucleotide variant.
Coding change: c.2573G>T on transcript NM_170606.3 (MANE Select); coding-DNA position 2573, G replaced by T.
Protein change: p.Trp858Leu; replaces tryptophan 858 with leucine.
Molecular consequence: missense variant.
Genome position (GRCh38, 1-based): chr7:152,238,786, C>A on the plus strand (G>T on the coding strand, the complement: KMT2C is on the minus strand). VCF-style: chr7-152238786-C-A. GRCh37 (hg19) VCF-style: chr7-151935871-C-A.
Other names: short protein forms W858L.
Identifiers: ClinVar variation 1192208 (VCV001192208.5), dbSNP rs111493987, ClinGen allele CA169245016.